The following is an entry in ClinVar:

NM_001737.5(C9):c.266_267del (p.Val89fs)

Gene: C9 (complement C9; minus strand). Cytogenetic location: 5p13.1.
Variant type: Microsatellite.
Coding change: c.266_267del on transcript NM_001737.5 (MANE Select); coding-DNA positions 266 to 267, 2 bases deleted (TG; older notation c.266_267delTG).
Protein change: p.Val89fs; shifts the reading frame from valine 89.
Molecular consequence: frameshift variant.
Genome position (GRCh38, 1-based): chr5:39,341,617-39,341,618, CA deleted on the plus strand (TG on the coding strand, the reverse complement: C9 is on the minus strand); deleting any 2 consecutive bases within chr5:39,341,617-39,341,623 gives the same sequence; the c. name uses the placement nearest the transcript's 3' end. VCF-style (leftmost placement, unchanged base first): chr5-39341616-GCA-G. GRCh37 (hg19) VCF-style: chr5-39341718-GCA-G.
Other names: short protein forms V89fs.
Identifiers: ClinVar variation 5000565 (VCV005000565.1).

ClinVar aggregate classification (germline): Likely pathogenic (1 of 4 stars; one submission).

Conditions:
C9-related disorder. Also called: C9-related condition.

Submission:

PreventionGenetics, part of Exact Sciences
Classification: Likely pathogenic for C9-related condition. Last evaluated: 2024-12-12. Review status: criteria provided, single submitter. Criteria: ACMG Guidelines, 2015. Collection method: clinical testing. Allele origin: germline.
Comment: The C9 c.266_267delTG variant is predicted to result in a frameshift and premature protein termination (p.Val89Alafs*6). To our knowledge, this variant has not been reported in the literature or in a large population database (gnomAD), indicating this variant is rare. Frameshift variants in C9 are expected to be pathogenic. This variant is interpreted as likely pathogenic.